The following is an entry in ClinVar:

NM_024876.4(COQ8B):c.443C>T (p.Thr148Ile)

Gene: COQ8B (coenzyme Q8B; minus strand). Cytogenetic location: 19q13.2.
Variant type: single nucleotide variant.
Coding change: c.443C>T on transcript NM_024876.4 (MANE Select); coding-DNA position 443, C replaced by T.
Protein change: p.Thr148Ile; replaces threonine 148 with isoleucine.
Molecular consequence: missense variant. On other transcripts: intron variant (1).
Genome position (GRCh38, 1-based): chr19:40,705,372, G>A on the plus strand (C>T on the coding strand, the complement: COQ8B is on the minus strand). VCF-style: chr19-40705372-G-A. GRCh37 (hg19) VCF-style: chr19-41211277-G-A.
Other names: c.368-191C>T (NM_001142555.3); c.443C>T (NM_024876.3); short protein forms T148I.
Identifiers: ClinVar variation 1990956 (VCV001990956.6), dbSNP rs145416274, ClinGen allele CA405965809.

ClinVar aggregate classification (germline): Uncertain significance. Review status: criteria provided, multiple submitters, no conflicts (2 of 4 stars). 2 submissions from 2 submitters: Uncertain significance (2). Last evaluated 2024-12-08.

Allele frequency attached by ClinVar (database versions not stated): gnomAD exomes 0.00002.
gnomAD v4.1: 10 of 1,601,846 alleles (0.00062%); highest among the groups gnomAD compares: Admixed American, 0.013%; no homozygotes.

Submissions (2):

GeneDx
Classification: Uncertain significance. Last evaluated: 2024-12-08. Review status: criteria provided, single submitter. Criteria: GeneDx Variant Classification Process June 2021. Collection method: clinical testing. Allele origin: germline.
Comment: In silico analysis indicates that this missense variant does not alter protein structure/function; Has not been previously published as pathogenic or benign to our knowledge

Labcorp Genetics (formerly Invitae), Labcorp
Classification: Uncertain significance. Last evaluated: 2022-07-19. Review status: criteria provided, single submitter. Criteria: Invitae Variant Classification Sherloc (09022015). Collection method: clinical testing. Allele origin: germline.
Comment: In summary, the available evidence is currently insufficient to determine the role of this variant in disease. Therefore, it has been classified as a Variant of Uncertain Significance. Algorithms developed to predict the effect of missense changes on protein structure and function are either unavailable or do not agree on the potential impact of this missense change (SIFT: "Deleterious"; PolyPhen-2: "Possibly Damaging"; Align-GVGD: "Class C0"). This variant has not been reported in the literature in individuals affected with COQ8B-related conditions. This variant is present in population databases (no rsID available, gnomAD 0.02%). This sequence change replaces threonine, which is neutral and polar, with isoleucine, which is neutral and non-polar, at codon 148 of the COQ8B protein (p.Thr148Ile).